The following is an entry in ClinVar:

ClinVar aggregate classification (germline): Uncertain significance (1 of 4 stars; one submission).

Conditions:
Cardiovascular phenotype. Identifiers: MedGen CN230736.

gnomAD v4.1: 28 of 1,550,080 alleles (0.0018%); highest among the groups gnomAD compares: Non-Finnish European, 0.002%; no homozygotes.

Submission:

Ambry Genetics
Classification: Uncertain significance for Cardiovascular phenotype. Last evaluated: 2025-05-24. Review status: criteria provided, single submitter. Criteria: Ambry Variant Classification Scheme 2023. Collection method: clinical testing. Allele origin: germline.
Comment: The p.R3745G variant (also known as c.11233C>G), located in coding exon 2 of the ZNF469 gene, results from a C to G substitution at nucleotide position 11233. The arginine at codon 3745 is replaced by glycine, an amino acid with dissimilar properties. This amino acid position is conserved. In addition, this alteration is predicted to be tolerated by in silico analysis. Since supporting evidence is limited at this time, the clinical significance of this alteration remains unclear.

NM_001367624.2(ZNF469):c.11317C>G (p.Arg3773Gly)

Gene: ZNF469 (zinc finger protein 469; plus strand). Cytogenetic location: 16q24.2.
Variant type: single nucleotide variant.
Coding change: c.11317C>G on transcript NM_001367624.2 (MANE Select); coding-DNA position 11317, C replaced by G.
Protein change: p.Arg3773Gly; replaces arginine 3773 with glycine.
Molecular consequence: missense variant.
Genome position (GRCh38, 1-based): chr16:88,438,787, C>G. VCF-style: chr16-88438787-C-G. GRCh37 (hg19) VCF-style: chr16-88505195-C-G.
Other names: NM_001127464.1:c.11233C>G; short protein forms R3773G.
Identifiers: ClinVar variation 1798321 (VCV001798321.4), dbSNP rs976249492, ClinGen allele CA397129718.